The following is an entry in ClinVar:

NM_012448.4(STAT5B):c.1101C>A (p.Pro367=)

Gene: STAT5B (signal transducer and activator of transcription 5B; minus strand). Cytogenetic location: 17q21.2.
Variant type: single nucleotide variant.
Coding change: c.1101C>A on transcript NM_012448.4 (MANE Select); coding-DNA position 1101, C replaced by A.
Protein change: p.Pro367=; no amino-acid change (proline 367 retained).
Molecular consequence: synonymous variant.
Genome position (GRCh38, 1-based): chr17:42,218,219, G>T on the plus strand (C>A on the coding strand, the complement: STAT5B is on the minus strand). VCF-style: chr17-42218219-G-T. GRCh37 (hg19) VCF-style: chr17-40370237-G-T.
Other names: p.Pro367=.
Identifiers: ClinVar variation 199127 (VCV000199127.23), dbSNP rs61749920, ClinGen allele CA203765.

ClinVar aggregate classification (germline): Benign/Likely benign. Review status: criteria provided, multiple submitters, no conflicts (2 of 4 stars). 8 submissions from 8 submitters: Benign (7); Likely benign (1). Last evaluated 2026-05-09.

Conditions:
Growth hormone insensitivity with immune dysregulation 1, autosomal recessive. Also called: GROWTH HORMONE INSENSITIVITY SYNDROME WITH IMMUNE DYSREGULATION 1, AUTOSOMAL RECESSIVE; Laron syndrome with immunodeficiency; GROWTH HORMONE INSENSITIVITY DUE TO POSTRECEPTOR DEFECT; LARON SYNDROME DUE TO POSTRECEPTOR DEFECT. Identifiers: Orphanet 220465, MedGen C5435698, MONDO:0100211, OMIM 245590.

Allele frequency attached by ClinVar (database versions not stated): TOPMed 0.01744; ESP Exome Variant Server 0.01861; 1000 Genomes Project 30x 0.01921; 1000 Genomes Project 0.01957; gnomAD exomes 0.02543; ExAC 0.02609.
gnomAD v4.1: 39,726 of 1,614,132 alleles (2.5%); highest among the groups gnomAD compares: Middle Eastern, 5.7%; 667 homozygotes.

Submissions (8):

Women's Health and Genetics/Laboratory Corporation of America, LabCorp
Classification: Benign. Last evaluated: 2026-05-09. Review status: criteria provided, single submitter. Criteria: LabCorp Variant Classification Summary - May 2015. Collection method: clinical testing. Allele origin: germline.

Labcorp Genetics (formerly Invitae), Labcorp
Classification: Benign for Growth hormone insensitivity with immune dysregulation 1, autosomal recessive. Last evaluated: 2026-02-02. Review status: criteria provided, single submitter. Criteria: Invitae Variant Classification Sherloc (09022015). Collection method: clinical testing. Allele origin: germline.

Blueprint Genetics
Classification: Likely benign. Last evaluated: 2024-11-28. Review status: criteria provided, single submitter. Criteria: ACMG Guidelines, 2015. Collection method: clinical testing. Allele origin: germline.

GeneDx
Classification: Benign. Last evaluated: 2022-04-23. Review status: criteria provided, single submitter. Criteria: GeneDx Variant Classification Process June 2021. Collection method: clinical testing. Allele origin: germline. Affected: yes.

Mayo Clinic Laboratories, Mayo Clinic
Classification: Benign. Last evaluated: 2018-07-16. Review status: criteria provided, single submitter. Criteria: ACMG Guidelines, 2015. Collection method: clinical testing. Allele origin: germline. Observed: 8 variant alleles.

Laboratory for Molecular Medicine, Mass General Brigham Personalized Medicine
Classification: Benign. Last evaluated: 2016-03-29. Review status: criteria provided, single submitter. Criteria: LMM Criteria. Collection method: clinical testing. Allele origin: germline.
Comment: Variant identified in a genome or exome case(s) and assessed due to predicted null impact of the variant or pathogenic assertions in the literature or databases. Disclaimer: This variant has not undergone full assessment. The following are preliminary notes: MAF

Eurofins Ntd Llc (ga)
Classification: Benign. Last evaluated: 2015-06-23. Review status: criteria provided, single submitter. Criteria: EGL Classification Definitions 2015. Collection method: clinical testing. Allele origin: germline. Observed: 9 variant alleles, 7 heterozygotes, 2 homozygotes.

Breakthrough Genomics
Classification: Benign. Review status: criteria provided, single submitter. Criteria: ACMG Guidelines, 2015. Collection method: not provided. Allele origin: germline. Inheritance: Autosomal recessive inheritance. Affected: yes.